The following is an entry in ClinVar:

ClinVar aggregate classification (germline): Uncertain significance (1 of 4 stars; one submission).

Conditions:
EGFR-related lung cancer (EGFR). Identifiers: MedGen CN130014.

Submission:

Labcorp Genetics (formerly Invitae), Labcorp
Classification: Uncertain significance for EGFR-related lung cancer. Last evaluated: 2024-06-10. Review status: criteria provided, single submitter. Criteria: Invitae Variant Classification Sherloc (09022015). Collection method: clinical testing. Allele origin: germline.
Comment: This sequence change replaces arginine, which is basic and polar, with serine, which is neutral and polar, at codon 324 of the EGFR protein (p.Arg324Ser). This variant is not present in population databases (gnomAD no frequency). This variant has not been reported in the literature in individuals affected with EGFR-related conditions. Advanced modeling of protein sequence and biophysical properties (such as structural, functional, and spatial information, amino acid conservation, physicochemical variation, residue mobility, and thermodynamic stability) has been performed at Invitae for this missense variant, however the output from this modeling did not meet the statistical confidence thresholds required to predict the impact of this variant on EGFR protein function. In summary, the available evidence is currently insufficient to determine the role of this variant in disease. Therefore, it has been classified as a Variant of Uncertain Significance.

NM_005228.5(EGFR):c.970C>A (p.Arg324Ser)

Gene: EGFR (epidermal growth factor receptor; plus strand). Cytogenetic location: 7p11.2.
Variant type: single nucleotide variant.
Coding change: c.970C>A on transcript NM_005228.5 (MANE Select); coding-DNA position 970, C replaced by A.
Protein change: p.Arg324Ser; replaces arginine 324 with serine.
Molecular consequence: missense variant.
Genome position (GRCh38, 1-based): chr7:55,155,910, C>A. VCF-style: chr7-55155910-C-A. GRCh37 (hg19) VCF-style: chr7-55223603-C-A.
Other names: c.835C>A, p.Arg279Ser (NM_001346897.2, NM_001346899.2); c.970C>A, p.Arg324Ser (NM_001346898.2, NM_201282.2, NM_201283.2 and 1 more transcripts); c.811C>A, p.Arg271Ser (NM_001346900.2); c.169C>A, p.Arg57Ser (NM_001346941.2); short protein forms R279S, R57S, R271S, R324S.
Identifiers: ClinVar variation 3715587 (VCV003715587.2).